The following is an entry in ClinVar:

NM_001365536.1(SCN9A):c.4174G>A (p.Val1392Ile)

Genes: SCN9A (sodium voltage-gated channel alpha subunit 9; minus strand), SCN1A-AS1 (SCN1A and SCN9A antisense RNA 1; plus strand). Cytogenetic location: 2q24.3.
Variant type: single nucleotide variant.
Coding change: c.4174G>A on transcript NM_001365536.1 (MANE Select); coding-DNA position 4174, G replaced by A.
Protein change: p.Val1392Ile; replaces valine 1392 with isoleucine.
Molecular consequence: missense variant.
Genome position (GRCh38, 1-based): chr2:166,228,723, C>T on the plus strand (G>A on the coding strand, the complement: SCN9A is on the minus strand). VCF-style: chr2-166228723-C-T. GRCh37 (hg19) VCF-style: chr2-167085233-C-T.
Other names: c.4141G>A, p.Val1381Ile (NM_002977.4); short protein forms V1392I, V1381I.
Identifiers: ClinVar variation 860695 (VCV000860695.11), dbSNP rs1694953349, ClinGen allele CA349063296.
Genomic context (GRCh38, chr2:166,228,723, plus strand): 5'-CCAAGCACTCATGAAATGGGACACTTACAACTTGAAGCAGAGATAGGTAACCAAGTCCGA[C>T]ATTATCAAAGTTCACTTTCAGGTTTTTCCATCGCACATTTTGACTAACATTCATAAGGGC-3'
Protein context (NP_001352465.1, residues 1382-1402): WKNLKVNFDN[Val1392Ile]GLGYLSLLQV

ClinVar aggregate classification (germline): Uncertain significance. Review status: criteria provided, multiple submitters, no conflicts (2 of 4 stars). 2 submissions from 2 submitters: Uncertain significance (2). Last evaluated 2025-07-15.

Conditions:
Inborn genetic diseases. Identifiers: MedGen C0950123, MeSH D030342.
Neuropathy, hereditary sensory and autonomic, type 2A (HSAN2A). Also called: HSAN IIA; MORVAN DISEASE; NEUROPATHY, CONGENITAL SENSORY; NEUROPATHY, HEREDITARY SENSORY RADICULAR, AUTOSOMAL RECESSIVE; NEUROPATHY, HEREDITARY SENSORY, TYPE IIA; NEUROPATHY, PROGRESSIVE SENSORY, OF CHILDREN. Identifiers: Orphanet 970, MedGen C2752089, MONDO:0024309, OMIM 201300.
Generalized epilepsy with febrile seizures plus, type 7 (GEFSP7). Also called: GEFS+, TYPE 7. Identifiers: Orphanet 36387, MedGen C2751778, MONDO:0013470, OMIM 613863.

Allele frequency attached by ClinVar (database versions not stated): gnomAD exomes below 0.00001.
gnomAD v4.1: 1 of 1,613,476 alleles (0.000062%); highest among the groups gnomAD compares: Non-Finnish European, 0.000085%; no homozygotes.

Submissions (2):

Ambry Genetics
Classification: Uncertain significance for Inborn genetic diseases. Last evaluated: 2025-07-15. Review status: criteria provided, single submitter. Criteria: Ambry Variant Classification Scheme 2023. Collection method: clinical testing. Allele origin: germline.

Labcorp Genetics (formerly Invitae), Labcorp
Classification: Uncertain significance for Neuropathy, hereditary sensory and autonomic, type 2A; Generalized epilepsy with febrile seizures plus, type 7. Last evaluated: 2022-08-16. Review status: criteria provided, single submitter. Criteria: Invitae Variant Classification Sherloc (09022015). Collection method: clinical testing. Allele origin: germline.
Comment: In summary, the available evidence is currently insufficient to determine the role of this variant in disease. Therefore, it has been classified as a Variant of Uncertain Significance. This sequence change replaces valine, which is neutral and non-polar, with isoleucine, which is neutral and non-polar, at codon 1381 of the SCN9A protein (p.Val1381Ile). This variant is not present in population databases (gnomAD no frequency). This variant has not been reported in the literature in individuals affected with SCN9A-related conditions. ClinVar contains an entry for this variant (Variation ID: 860695). Algorithms developed to predict the effect of missense changes on protein structure and function (SIFT, PolyPhen-2, Align-GVGD) all suggest that this variant is likely to be disruptive.